The following is an entry in ClinVar:

NM_000169.3(GLA):c.125T>A (p.Met42Lys)

Genes: GLA (galactosidase alpha; minus strand), RPL36A-HNRNPH2 (RPL36A-HNRNPH2 readthrough; plus strand). Cytogenetic location: Xq22.1.
Variant type: single nucleotide variant.
Coding change: c.125T>A on transcript NM_000169.3 (MANE Select); coding-DNA position 125, T replaced by A.
Protein change: p.Met42Lys; replaces methionine 42 with lysine.
Molecular consequence: missense variant. On other transcripts: non-coding transcript variant (3), intron variant (2).
Genome position (GRCh38, 1-based): chrX:101,407,779, A>T on the plus strand (T>A on the coding strand, the complement: GLA is on the minus strand). VCF-style: chrX-101407779-A-T. GRCh37 (hg19) VCF-style: chrX-100662767-A-T.
Other names: c.125T>A, p.Met42Lys (NM_001406747.1, NM_001406748.1, NM_001406749.1); c.301-4157A>T (NM_001199973.2); c.178-4157A>T (NM_001199974.2); short protein forms M42K.
Identifiers: ClinVar variation 4087607 (VCV004087607.2).

ClinVar aggregate classification (germline): Pathogenic (1 of 4 stars; one submission).

Conditions:
Fabry disease. Also called: ALPHA-GALACTOSIDASE A DEFICIENCY; ANDERSON-FABRY DISEASE; CERAMIDE TRIHEXOSIDASE DEFICIENCY; GLA DEFICIENCY; HEREDITARY DYSTOPIC LIPIDOSIS; Angiokeratoma corporis diffusum. Identifiers: Orphanet 324, MedGen C0002986, MONDO:0010526, OMIM 301500, HP:0001071. Disease mechanism: Fabry disease is due to inactivating mutations in the X-linked GLA gene resulting in deficiency of the enzyme Alpha Galactosidase-A., loss of function.

Submission:

Genomenon, Inc
Classification: Pathogenic for Fabry disease. Last evaluated: 2026-09-08. Review status: criteria provided, single submitter. Criteria: Genomenon Sequence Variant Interpretation Standards - Updated. Collection method: curation. Allele origin: germline. Affected: yes.
Comment: GLA p.Met42Lys (c.125T>A) is a missense variant that changes the amino acid at codon 42 from Methionine to Lysine. This variant has been observed in at least one proband with clinical features consistent with Fabry disease (PMID:29631605). At least one functional study has demonstrated a substantial alteration in protein function relative to the wild-type (PMID:27657681). This variant is located in a mutational hotspot and/or important functional domain. It is absent or not present at a significant frequency in gnomAD. In silico models predict that this variant is possibly or probably damaging. In conclusion, we classify GLA p.Met42Lys (c.125T>A) as a pathogenic variant.

Literature cited by the submitters: PubMed 29631605; PubMed 27657681.